The following is an entry in ClinVar:

ClinVar aggregate classification (germline): Uncertain significance (1 of 4 stars; one submission).

Allele frequency attached by ClinVar (database versions not stated): gnomAD exomes below 0.00001; ExAC 0.00001.
gnomAD v4.1: 2 of 1,596,776 alleles (0.00013%); highest among the groups gnomAD compares: East Asian, 0.0045%; no homozygotes.

Submission:

Labcorp Genetics (formerly Invitae), Labcorp
Classification: Uncertain significance. Last evaluated: 2021-06-04. Review status: criteria provided, single submitter. Criteria: Invitae Variant Classification Sherloc (09022015). Collection method: clinical testing. Allele origin: germline.
Comment: This sequence change replaces glutamine with histidine at codon 588 of the DDX58 protein (p.Gln588His). The glutamine residue is weakly conserved and there is a small physicochemical difference between glutamine and histidine. This variant is present in population databases (rs766439817, ExAC 0.01%). This variant has not been reported in the literature in individuals with DDX58-related conditions. Algorithms developed to predict the effect of missense changes on protein structure and function (SIFT, PolyPhen-2, Align-GVGD) all suggest that this variant is likely to be tolerated, but these predictions have not been confirmed by published functional studies and their clinical significance is uncertain. In summary, the available evidence is currently insufficient to determine the role of this variant in disease. Therefore, it has been classified as a Variant of Uncertain Significance.

NM_014314.4(RIGI):c.1764G>C (p.Gln588His)

Gene: RIGI (RNA sensor RIG-I; minus strand). Cytogenetic location: 9p21.1.
Variant type: single nucleotide variant.
Coding change: c.1764G>C on transcript NM_014314.4 (MANE Select); coding-DNA position 1764, G replaced by C.
Protein change: p.Gln588His; replaces glutamine 588 with histidine.
Molecular consequence: missense variant.
Genome position (GRCh38, 1-based): chr9:32,480,229, C>G on the plus strand (G>C on the coding strand, the complement: RIGI is on the minus strand). VCF-style: chr9-32480229-C-G. GRCh37 (hg19) VCF-style: chr9-32480227-C-G.
Other names: c.1758G>C, p.Gln586His (NM_001385907.1); c.1764G>C, p.Gln588His (NM_001385909.1); c.1323G>C, p.Gln441His (NM_001385910.1); c.1155G>C, p.Gln385His (NM_001385912.1); c.1749G>C, p.Gln583His (NM_001385913.1); c.1320G>C, p.Gln440His (NM_001385914.1); short protein forms Q385H, Q586H, Q441H, Q583H, Q588H, Q440H.
Identifiers: ClinVar variation 1358828 (VCV001358828.8), dbSNP rs766439817, ClinGen allele CA5019701.